The following is an entry in ClinVar:

NM_018180.3(DHX32):c.1979A>T (p.Lys660Met)

Genes: BCCIP (BRCA2 and CDKN1A interacting protein; plus strand), DHX32 (DEAH-box helicase 32 (putative); minus strand). Cytogenetic location: 10q26.2.
Variant type: single nucleotide variant.
Coding change: c.1979A>T on transcript NM_018180.3 (MANE Select); coding-DNA position 1979, A replaced by T.
Protein change: p.Lys660Met; replaces lysine 660 with methionine.
Molecular consequence: missense variant. On other transcripts: intron variant (2).
Genome position (GRCh38, 1-based): chr10:125,838,290, T>A on the plus strand (A>T on the coding strand, the complement: DHX32 is on the minus strand). VCF-style: chr10-125838290-T-A. GRCh37 (hg19) VCF-style: chr10-127526859-T-A.
Other names: c.775-2965T>A (NM_016567.4, NM_078469.3); short protein forms K660M.
Identifiers: ClinVar variation 1935919 (VCV001935919.4), dbSNP rs974349392, ClinGen allele CA215328398.

ClinVar aggregate classification (germline): Uncertain significance (1 of 4 stars; one submission).

Allele frequency attached by ClinVar (database versions not stated): gnomAD exomes 0.00001.
gnomAD v4.1: 10 of 1,614,050 alleles (0.00062%); highest among the groups gnomAD compares: South Asian, 0.0077%; no homozygotes.

Submission:

Labcorp Genetics (formerly Invitae), Labcorp
Classification: Uncertain significance. Last evaluated: 2022-03-15. Review status: criteria provided, single submitter. Criteria: Invitae Variant Classification Sherloc (09022015). Collection method: clinical testing. Allele origin: germline.
Comment: In summary, the available evidence is currently insufficient to determine the role of this variant in disease. Therefore, it has been classified as a Variant of Uncertain Significance. Algorithms developed to predict the effect of missense changes on protein structure and function are either unavailable or do not agree on the potential impact of this missense change (SIFT: "Deleterious"; PolyPhen-2: "Possibly Damaging"; Align-GVGD: "Class C0"). This variant has not been reported in the literature in individuals affected with DHX32-related conditions. This variant is present in population databases (no rsID available, gnomAD 0.003%). This sequence change replaces lysine, which is basic and polar, with methionine, which is neutral and non-polar, at codon 660 of the DHX32 protein (p.Lys660Met).